The following is an entry in ClinVar:

NM_001042432.2(CLN3):c.837+3del

Gene: CLN3 (CLN3 lysosomal/endosomal transmembrane protein, battenin; minus strand). Cytogenetic location: 16p12.1.
Variant type: Deletion.
Coding change: c.837+3del on transcript NM_001042432.2 (MANE Select); 3 bases into the intron after coding-DNA position 837, one base deleted (T; older notation c.837+3delT).
Molecular consequence: splice donor variant.
Genome position (GRCh38, 1-based): chr16:28,482,623, A deleted on the plus strand (T on the coding strand, the reverse complement: CLN3 is on the minus strand); the first of 2 consecutive A bases (chr16:28,482,623-28,482,624); deleting either gives the same sequence. VCF-style (leftmost placement, unchanged base first): chr16-28482622-GA-G. GRCh37 (hg19) VCF-style: chr16-28493943-GA-G.
Other names: c.603+3del (NM_001286109.2); c.765+3del (NM_001286104.2); c.537+3del (NM_001286105.2); c.675+3del (NM_001286110.2); c.837+3del (NM_000086.2).
Identifiers: ClinVar variation 940155 (VCV000940155.5), dbSNP rs759553835, ClinGen allele CA7980809.

ClinVar aggregate classification (germline): Uncertain significance. Review status: criteria provided, multiple submitters, no conflicts (2 of 4 stars). 2 submissions from 2 submitters: Uncertain significance (2). Last evaluated 2023-11-16.

Conditions:
Neuronal ceroid lipofuscinosis. Also called: Neuronal Ceroid Lipofuscinoses. Identifiers: Orphanet 216, Orphanet 79263, MedGen C0027877, MONDO:0016295. Disease mechanism: loss of function.

Submissions (2):

GeneDx
Classification: Uncertain significance. Last evaluated: 2023-11-16. Review status: criteria provided, single submitter. Criteria: GeneDx Variant Classification Process June 2021. Collection method: clinical testing. Allele origin: germline. Affected: yes.
Comment: Not observed at significant frequency in large population cohorts (gnomAD); Has not been previously published as pathogenic or benign to our knowledge; In silico analysis is inconclusive as to whether the variant alters gene splicing. In the absence of RNA/functional studies, the actual effect of this sequence change is unknown.

Labcorp Genetics (formerly Invitae), Labcorp
Classification: Uncertain significance for Neuronal ceroid lipofuscinosis. Last evaluated: 2022-08-16. Review status: criteria provided, single submitter. Criteria: Invitae Variant Classification Sherloc (09022015). Collection method: clinical testing. Allele origin: germline.
Comment: This sequence change falls in intron 11 of the CLN3 gene. It does not directly change the encoded amino acid sequence of the CLN3 protein. It affects a nucleotide within the consensus splice site. This variant is present in population databases (rs759553835, gnomAD 0.004%). This variant has not been reported in the literature in individuals affected with CLN3-related conditions. ClinVar contains an entry for this variant (Variation ID: 940155). Variants that disrupt the consensus splice site are a relatively common cause of aberrant splicing (PMID: 17576681, 9536098). Algorithms developed to predict the effect of sequence changes on RNA splicing suggest that this variant may disrupt the consensus splice site. In summary, the available evidence is currently insufficient to determine the role of this variant in disease. Therefore, it has been classified as a Variant of Uncertain Significance.

Literature cited by the submitters: PubMed 17576681 (cited by Labcorp Genetics (formerly Invitae), Labcorp); PubMed 9536098 (cited by Labcorp Genetics (formerly Invitae), Labcorp).